The following is an entry in ClinVar:

ClinVar aggregate classification (germline): Uncertain significance (1 of 4 stars; one submission).

Conditions:
Hereditary cancer-predisposing syndrome. Also called: Neoplastic Syndromes, Hereditary; Tumor predisposition; Hereditary Cancer Syndrome; Hereditary neoplastic syndrome. Identifiers: Orphanet 140162, MedGen C0027672, MeSH D009386, MONDO:0015356.

Submission:

Ambry Genetics
Classification: Uncertain significance for Hereditary cancer-predisposing syndrome. Last evaluated: 2024-10-07. Review status: criteria provided, single submitter. Criteria: Ambry Variant Classification Scheme 2023. Collection method: clinical testing. Allele origin: germline.
Comment: The c.1655_1656delAA variant, located in coding exon 15 of the NF2 gene, results from a deletion of two nucleotides at nucleotide positions 1655 to 1656, causing a translational frameshift with a predicted alternate stop codon (p.K552Rfs*12). This alteration occurs at the 3' terminus of theNF2 gene, is not expected to trigger nonsense-mediated mRNAdecay, and only impacts the last 7.4% of the protein. The exact functional effect of this alteration is unknown. Based on the available evidence, the clinical significance of this variant remains unclear.

NM_000268.4(NF2):c.1655_1656del (p.Lys552fs)

Gene: NF2 (NF2, moesin-ezrin-radixin like (MERLIN) tumor suppressor; plus strand). Cytogenetic location: 22q12.2.
Variant type: Deletion.
Coding change: c.1655_1656del on transcript NM_000268.4 (MANE Select); coding-DNA positions 1655 to 1656, 2 bases deleted (AA; older notation c.1655_1656delAA).
Protein change: p.Lys552fs; shifts the reading frame from lysine 552.
Molecular consequence: frameshift variant. On other transcripts: intron variant (3).
Genome position (GRCh38, 1-based): chr22:29,681,519-29,681,520, AA deleted; deleting any 2 consecutive bases within chr22:29,681,518-29,681,520 gives the same sequence; the c. name uses the placement nearest the transcript's 3' end. VCF-style (leftmost placement, unchanged base first): chr22-29681517-GAA-G. GRCh37 (hg19) VCF-style: chr22-30077506-GAA-G.
Other names: c.1541_1542del, p.Lys514fs (NM_001407053.1, NM_001407056.1); c.1532_1533del, p.Lys511fs (NM_001407054.1, NM_001407058.1, NM_181829.3); c.1529_1530del, p.Lys510fs (NM_001407055.1, NM_181828.3); c.1520_1521del, p.Lys507fs (NM_001407057.1, NM_001407059.1); c.1397_1398del, p.Lys466fs (NM_001407062.1); c.1406_1407del, p.Lys469fs (NM_001407063.1, NM_181830.3, NM_181831.3); c.1121_1122del, p.Lys374fs (NM_001407065.1); c.1655_1656del, p.Lys552fs (NM_001407066.1, NM_016418.5, NM_181825.3 and 1 more transcripts); and 4 more; short protein forms K469fs, K475fs, K510fs, K466fs, K514fs, K374fs, K507fs, K511fs.
Identifiers: ClinVar variation 3405000 (VCV003405000.1).
Genomic context (GRCh38, chr22:29,681,517, plus strand): 5'-GAGCAAGCATCTGCAGGAGCAGCTCAATGAACTCAAGACAGAAATCGAGGCCTTGAAACT[GAA>G]AGAGAGGGAGACAGCTCTGGATATTCTGCACAATGAGAACTCCGACAGGGGTGGCAGCAG-3'